The following is an entry in ClinVar:

ClinVar aggregate classification (germline): Uncertain significance (1 of 4 stars; one submission).

Conditions:
Nephronophthisis. Also called: Juvenile Nephronophthisis. Identifiers: Orphanet 655, MedGen C0687120, MONDO:0019005, HP:0000090.
Meckel-Gruber syndrome. Also called: DYSENCEPHALIA SPLANCHNOCYSTICA; GRUBER SYNDROME; Dysencephalia splachnocystica. Identifiers: Orphanet 564, MedGen C0265215, MONDO:0018921.
Joubert syndrome. Also called: CEREBELLOPARENCHYMAL DISORDER IV; JOUBERT-BOLTSHAUSER SYNDROME; Familial aplasia of the vermis. Identifiers: Orphanet 475, MedGen C5979921, MONDO:0018772.

Submission:

Labcorp Genetics (formerly Invitae), Labcorp
Classification: Uncertain significance for Joubert syndrome; Meckel-Gruber syndrome; Nephronophthisis. Last evaluated: 2023-08-30. Review status: criteria provided, single submitter. Criteria: Invitae Variant Classification Sherloc (09022015). Collection method: clinical testing. Allele origin: germline.
Comment: ClinVar contains an entry for this variant (Variation ID: 1518198). Advanced modeling of protein sequence and biophysical properties (such as structural, functional, and spatial information, amino acid conservation, physicochemical variation, residue mobility, and thermodynamic stability) performed at Invitae indicates that this missense variant is expected to disrupt CEP290 protein function. In summary, the available evidence is currently insufficient to determine the role of this variant in disease. Therefore, it has been classified as a Variant of Uncertain Significance. This variant has not been reported in the literature in individuals affected with CEP290-related conditions. This sequence change replaces glycine, which is neutral and non-polar, with glutamic acid, which is acidic and polar, at codon 1976 of the CEP290 protein (p.Gly1976Glu). This variant is not present in population databases (gnomAD no frequency).

NM_025114.4(CEP290):c.5927G>A (p.Gly1976Glu)

Gene: CEP290 (centrosomal protein 290; minus strand). Cytogenetic location: 12q21.32.
Variant type: single nucleotide variant.
Coding change: c.5927G>A on transcript NM_025114.4 (MANE Select); coding-DNA position 5927, G replaced by A.
Protein change: p.Gly1976Glu; replaces glycine 1976 with glutamic acid.
Molecular consequence: missense variant.
Genome position (GRCh38, 1-based): chr12:88,071,378, C>T on the plus strand (G>A on the coding strand, the complement: CEP290 is on the minus strand). VCF-style: chr12-88071378-C-T. GRCh37 (hg19) VCF-style: chr12-88465155-C-T.
Other names: short protein forms G1976E.
Identifiers: ClinVar variation 1518198 (VCV001518198.6), dbSNP rs2136956748, ClinGen allele CA385983770.